The following is an entry in ClinVar:

ClinVar aggregate classification (germline): Uncertain significance. Review status: criteria provided, multiple submitters, no conflicts (2 of 4 stars). 5 submissions from 4 submitters: Uncertain significance (5). Last evaluated 2023-08-02.

Conditions:
Inborn genetic diseases. Identifiers: MedGen C0950123, MeSH D030342.
Leber congenital amaurosis 6 (LCA6). Identifiers: Orphanet 65, MedGen C1854260, MONDO:0013446, OMIM 613826.
Cone-rod dystrophy 13 (CORD13). Identifiers: Orphanet 1872, MedGen C2750720, MONDO:0011987, OMIM 608194.

Allele frequency attached by ClinVar (database versions not stated): gnomAD exomes 0.00001 and below 0.00001; ExAC 0.00002; gnomAD 0.00004; TOPMed 0.00006.
gnomAD v4.1: 8 of 1,612,502 alleles (0.0005%); highest among the groups gnomAD compares: African/African-American, 0.011%; no homozygotes.

Submissions (5):

Ambry Genetics
Classification: Uncertain significance for Inborn genetic diseases. Last evaluated: 2023-08-02. Review status: criteria provided, single submitter. Criteria: Ambry Variant Classification Scheme 2023. Collection method: clinical testing. Allele origin: germline.

Genome-Nilou Lab
Classification: Uncertain significance for Leber congenital amaurosis 6. Last evaluated: 2021-11-07. Review status: criteria provided, single submitter. Criteria: ACMG Guidelines, 2015. Collection method: clinical testing. Allele origin: germline. Affected: no.

Genome-Nilou Lab
Classification: Uncertain significance for Cone-rod dystrophy 13. Last evaluated: 2021-11-07. Review status: criteria provided, single submitter. Criteria: ACMG Guidelines, 2015. Collection method: clinical testing. Allele origin: germline. Affected: no.

Labcorp Genetics (formerly Invitae), Labcorp
Classification: Uncertain significance for Leber congenital amaurosis 6; Cone-rod dystrophy 13. Last evaluated: 2020-02-22. Review status: criteria provided, single submitter. Criteria: Invitae Variant Classification Sherloc (09022015). Collection method: clinical testing. Allele origin: germline.
Comment: This sequence change replaces alanine with valine at codon 1126 of the RPGRIP1 protein (p.Ala1126Val). The alanine residue is moderately conserved and there is a small physicochemical difference between alanine and valine. This variant is present in population databases (rs760334377, ExAC 0.02%). This variant has not been reported in the literature in individuals with RPGRIP1-related conditions. ClinVar contains an entry for this variant (Variation ID: 195617). Algorithms developed to predict the effect of missense changes on protein structure and function are either unavailable or do not agree on the potential impact of this missense change (SIFT: "Tolerated"; PolyPhen-2: "Possibly Damaging"; Align-GVGD: "Class C0"). In summary, the available evidence is currently insufficient to determine the role of this variant in disease. Therefore, it has been classified as a Variant of Uncertain Significance.

Eurofins Ntd Llc (ga)
Classification: Uncertain significance. Last evaluated: 2015-03-06. Review status: criteria provided, single submitter. Criteria: EGL Classification Definitions 2015. Collection method: clinical testing. Allele origin: germline. Observed: 1 variant allele, 1 heterozygote.

NM_020366.4(RPGRIP1):c.3377C>T (p.Ala1126Val)

Gene: RPGRIP1 (RPGR interacting protein 1; plus strand). Cytogenetic location: 14q11.2.
Variant type: single nucleotide variant.
Coding change: c.3377C>T on transcript NM_020366.4 (MANE Select); coding-DNA position 3377, C replaced by T.
Protein change: p.Ala1126Val; replaces alanine 1126 with valine.
Molecular consequence: missense variant.
Genome position (GRCh38, 1-based): chr14:21,343,073, C>T. VCF-style: chr14-21343073-C-T. GRCh37 (hg19) VCF-style: chr14-21811232-C-T.
Other names: c.1355C>T, p.Ala452Val (NM_001377523.1, NM_001377950.1); c.2303C>T, p.Ala768Val (NM_001377948.1); c.1463C>T, p.Ala488Val (NM_001377949.1); c.860C>T, p.Ala287Val (NM_001377951.1); c.3377C>T (NM_020366.3); short protein forms A1126V, A287V, A452V, A488V, A768V.
Identifiers: ClinVar variation 195617 (VCV000195617.16), dbSNP rs760334377, ClinGen allele CA242092.
Genomic context (GRCh38, chr14:21,343,073, plus strand): 5'-TAAATAAACATTTTCCTTATCAGGATTCAGAGAAGATGTGCATTGAAATTGTCTCCCTGG[C>T]CTTCTACCCAGAGGCAGAAGTGATGTCTGATGAGAACATAAAACAGGTGTATGTGGAGTA-3'
Protein context (NP_065099.3, residues 1116-1136): EKMCIEIVSL[Ala1126Val]FYPEAEVMSD